The following is an entry in ClinVar:

NM_025152.3(NUBPL):c.514-275A>G

Gene: NUBPL (NUBP iron-sulfur cluster assembly factor, mitochondrial; plus strand). Cytogenetic location: 14q12.
Variant type: single nucleotide variant.
Coding change: c.514-275A>G on transcript NM_025152.3 (MANE Select); 275 bases into the intron before coding-DNA position 514, A replaced by G.
Molecular consequence: intron variant.
Genome position (GRCh38, 1-based): chr14:31,787,505, A>G. VCF-style: chr14-31787505-A-G. GRCh37 (hg19) VCF-style: chr14-32256711-A-G.
Other names: c.226-275A>G (NM_001201573.2); c.-36-275A>G (NM_001201574.2).
Identifiers: ClinVar variation 669937 (VCV000669937.1), dbSNP rs17483942, ClinGen allele CA13933789.

ClinVar aggregate classification (germline): Benign (1 of 4 stars; one submission).

Allele frequency attached by ClinVar (database versions not stated): 1000 Genomes Project 30x 0.32495; TOPMed 0.33008; 1000 Genomes Project 0.33067; gnomAD 0.34315 and 0.34947.
gnomAD v4.1: 53,113 of 151,998 alleles (35%); highest among the groups gnomAD compares: South Asian, 44%; 10,489 homozygotes.

Submission:

GeneDx
Classification: Benign. Last evaluated: 2018-06-14. Review status: criteria provided, single submitter. Criteria: GeneDx Variant Classification (06012015). Collection method: clinical testing. Allele origin: germline. Affected: yes.
Comment: This variant is considered likely benign or benign based on one or more of the following criteria: it is a conservative change, it occurs at a poorly conserved position in the protein, it is predicted to be benign by multiple in silico algorithms, and/or has population frequency not consistent with disease.